The following is an entry in ClinVar:

ClinVar aggregate classification (germline): Uncertain significance. Review status: criteria provided, multiple submitters, no conflicts (2 of 4 stars). 2 submissions from 2 submitters: Uncertain significance (2). Last evaluated 2024-03-19.

Conditions:
Epidermolysis bullosa simplex 5C, with pyloric atresia (EBS5C). Also called: PLEC1-Related Epidermolysis Bullosa with Pyloric Atresia; PLEC-Related Epidermolysis Bullosa with Pyloric Atresia; Epidermolysis bullosa simplex with pyloric atresia. Identifiers: Orphanet 158684, MedGen C2677349, MONDO:0012807, OMIM 612138.
Epidermolysis bullosa simplex 5B, with muscular dystrophy (EBS5B). Also called: EPIDERMOLYSIS BULLOSA SIMPLEX AND LIMB-GIRDLE MUSCULAR DYSTROPHY; Epidermolysis bullosa simplex with muscular dystrophy. Identifiers: Orphanet 257, MedGen C2931072, MONDO:0009181, OMIM 226670.
Epidermolysis bullosa simplex, Ogna type (EBS5A). Also called: Pidermolysis bullosa simplex 5A, Ogna type; EPIDERMOLYSIS BULLOSA SIMPLEX 5A, OGNA TYPE. Identifiers: Orphanet 79401, MedGen C0432317, MONDO:0007555, OMIM 131950.
Autosomal recessive limb-girdle muscular dystrophy type 2Q (LGMDR17). Also called: MUSCULAR DYSTROPHY, LIMB-GIRDLE, AUTOSOMAL RECESSIVE 17. Identifiers: Orphanet 254361, MedGen C3150989, MONDO:0013390, OMIM 613723.
Epidermolysis bullosa simplex with nail dystrophy (EBS5D). Identifiers: MedGen C4225309, MONDO:0014661, OMIM 616487.
Inborn genetic diseases. Identifiers: MedGen C0950123, MeSH D030342.

Allele frequency attached by ClinVar (database versions not stated): gnomAD exomes 0.00001; ExAC 0.00002; gnomAD 0.00004; TOPMed 0.00004.
gnomAD v4.1: 21 of 1,599,446 alleles (0.0013%); highest among the groups gnomAD compares: Admixed American, 0.0067%; 1 homozygote.

Submissions (2):

Labcorp Genetics (formerly Invitae), Labcorp
Classification: Uncertain significance for Autosomal recessive limb-girdle muscular dystrophy type 2Q; Epidermolysis bullosa simplex, Ogna type; Epidermolysis bullosa simplex with nail dystrophy; Epidermolysis bullosa simplex 5C, with pyloric atresia; Epidermolysis bullosa simplex 5B, with muscular dystrophy. Last evaluated: 2024-03-19. Review status: criteria provided, single submitter. Criteria: Invitae Variant Classification Sherloc (09022015). Collection method: clinical testing. Allele origin: germline.
Comment: This sequence change replaces arginine, which is basic and polar, with tryptophan, which is neutral and slightly polar, at codon 978 of the PLEC protein (p.Arg978Trp). The frequency data for this variant in the population databases is considered unreliable, as metrics indicate poor data quality at this position in the gnomAD database. This variant has not been reported in the literature in individuals affected with PLEC-related conditions. Advanced modeling of protein sequence and biophysical properties (such as structural, functional, and spatial information, amino acid conservation, physicochemical variation, residue mobility, and thermodynamic stability) performed at Invitae indicates that this missense variant is not expected to disrupt PLEC protein function with a negative predictive value of 80%. In summary, the available evidence is currently insufficient to determine the role of this variant in disease. Therefore, it has been classified as a Variant of Uncertain Significance.

Ambry Genetics
Classification: Uncertain significance for Inborn genetic diseases. Last evaluated: 2024-01-16. Review status: criteria provided, single submitter. Criteria: Ambry Variant Classification Scheme 2023. Collection method: clinical testing. Allele origin: germline.

NM_201384.3(PLEC):c.2851C>T (p.Arg951Trp)

Gene: PLEC (plectin; minus strand). Cytogenetic location: 8q24.3.
Variant type: single nucleotide variant.
Coding change: c.2851C>T on transcript NM_201384.3 (MANE Select); coding-DNA position 2851, C replaced by T.
Protein change: p.Arg951Trp; replaces arginine 951 with tryptophan.
Molecular consequence: missense variant.
Genome position (GRCh38, 1-based): chr8:143,929,718, G>A on the plus strand (C>T on the coding strand, the complement: PLEC is on the minus strand). VCF-style: chr8-143929718-G-A. GRCh37 (hg19) VCF-style: chr8-145003886-G-A.
Other names: c.2932C>T, p.Arg978Trp (NM_000445.5, NM_001410941.1); c.2809C>T, p.Arg937Trp (NM_201378.4); c.2785C>T, p.Arg929Trp (NM_201379.3); c.3262C>T, p.Arg1088Trp (NM_201380.4); c.2755C>T, p.Arg919Trp (NM_201381.3); c.2851C>T, p.Arg951Trp (NM_201382.4); c.2863C>T, p.Arg955Trp (NM_201383.3); short protein forms R929W, R978W, R1088W, R955W, R951W, R919W, R937W.
Identifiers: ClinVar variation 3214695 (VCV003214695.3), dbSNP rs781867218, ClinGen allele CA4927321.